The following is an entry in ClinVar:

ClinVar aggregate classification (germline): Uncertain significance (1 of 4 stars; one submission).

Submission:

CeGaT Center for Human Genetics Tuebingen
Classification: Uncertain significance. Last evaluated: 2026-01-01. Review status: criteria provided, single submitter. Criteria: CeGaT Center For Human Genetics Tuebingen Variant Classification Criteria Version 2. Collection method: clinical testing. Allele origin: germline. Affected: yes. Observed: 1 variant allele.
Comment: MUC1: PM2, BP4

NM_002456.6(MUC1):c.160-158C>G

Gene: MUC1 (mucin 1, cell surface associated; minus strand). Cytogenetic location: 1q22.
Variant type: single nucleotide variant.
Coding change: c.160-158C>G on transcript NM_002456.6; 158 bases into the intron before coding-DNA position 160, C replaced by G.
Molecular consequence: intron variant. On other transcripts: missense variant (3).
Genome position (GRCh38, 1-based): chr1:155,188,443, G>C on the plus strand (C>G on the coding strand, the complement: MUC1 is on the minus strand). VCF-style: chr1-155188443-G-C. GRCh37 (hg19) VCF-style: chr1-155160919-G-C.
Other names: c.608C>G, p.Thr203Arg (NM_001204285.2); c.635C>G, p.Thr212Arg (NM_001204286.1); c.2873C>G, p.Thr958Arg (NM_001371720.2); c.187-380C>G (NM_001204291.1); c.187-231C>G (NM_001204292.1, NM_001204296.2); c.187-212C>G (NM_001204295.1, NM_001044392.3, NM_001204288.2 and 1 more transcripts); c.124-389C>G (NM_001204290.2); c.160-231C>G (NM_001204294.2, NM_001044393.3, NM_001044390.3); and 4 more; short protein forms T203R, T212R, T958R.
Identifiers: ClinVar variation 4822947 (VCV004822947.4).
Genomic context (GRCh38, chr1:155,188,443, plus strand): 5'-GTAGGAGTATCAGAGTGGTGGCTGGGAATTGAGAATGGAGTGCTCTTGCTGGCTGGGGTT[G>C]TGGTAGCCCTGGCAGAGGTGCCGTTGTGCACCAGAGTAGAAGCTGAGCCTGATGCAGAGC-3'